The following is an entry in ClinVar:

ClinVar aggregate classification (germline): Likely benign (1 of 4 stars; one submission).

Conditions:
Cerebral arteriopathy, autosomal dominant, with subcortical infarcts and leukoencephalopathy, type 1 (CADASIL1). Also called: DEMENTIA, HEREDITARY MULTIINFARCT TYPE; CADASIL 1; CASIL; Cerebral arteriopathy with subcortical infarcts and leukoencephalopathy 1. Identifiers: Orphanet 136, MedGen C4551768, MONDO:0000914, OMIM 125310.

Allele frequency attached by ClinVar (database versions not stated): ExAC 0.00003; gnomAD exomes 0.00003 and 0.00008; TOPMed 0.00005; gnomAD 0.00001.
gnomAD v4.1: 112 of 1,608,160 alleles (0.007%); highest among the groups gnomAD compares: Non-Finnish European, 0.0092%; no homozygotes.

Submission:

Illumina Laboratory Services, Illumina
Classification: Likely benign for Cerebral arteriopathy, autosomal dominant, with subcortical infarcts and leukoencephalopathy, type 1. Last evaluated: 2018-01-13. Review status: criteria provided, single submitter. Criteria: ICSL Variant Classification Criteria 13 December 2019. Collection method: clinical testing. Allele origin: germline.
Comment: This variant was observed in the ICSL laboratory as part of a predisposition screen in an ostensibly healthy population. It had not been previously curated by ICSL or reported in the Human Gene Mutation Database (HGMD: prior to June 1st, 2018), and was therefore a candidate for classification through an automated scoring system. Utilizing variant allele frequency, disease prevalence and penetrance estimates, and inheritance mode, an automated score was calculated to assess if this variant is too frequent to cause the disease. Based on the score and internal cut-off values, a variant classified as likely benign is not then subjected to further curation. The score for this variant resulted in a classification of likely benign for this disease.

NM_000435.3(NOTCH3):c.415G>A (p.Asp139Asn)

Gene: NOTCH3 (notch receptor 3; minus strand). Cytogenetic location: 19p13.12.
Variant type: single nucleotide variant.
Coding change: c.415G>A on transcript NM_000435.3 (MANE Select); coding-DNA position 415, G replaced by A.
Protein change: p.Asp139Asn; replaces aspartic acid 139 with asparagine.
Molecular consequence: missense variant.
Genome position (GRCh38, 1-based): chr19:15,192,224, C>T on the plus strand (G>A on the coding strand, the complement: NOTCH3 is on the minus strand). VCF-style: chr19-15192224-C-T. GRCh37 (hg19) VCF-style: chr19-15303035-C-T.
Other names: short protein forms D139N.
Identifiers: ClinVar variation 892158 (VCV000892158.4), dbSNP rs777257132, ClinGen allele CA9263890.